The following is an entry in ClinVar:

ClinVar aggregate classification (germline): Likely benign. Review status: criteria provided, multiple submitters, no conflicts (2 of 4 stars). 4 submissions from 4 submitters: Likely benign (3). 1 of the submissions does not count toward it. Last evaluated 2026-01-18.

Conditions:
KMT2A-related disorder. Also called: KMT2A-related condition.

Allele frequency attached by ClinVar (database versions not stated): ExAC 0.00004; gnomAD exomes 0.00004 and 0.00006; gnomAD 0.00020 and 0.00021; 1000 Genomes Project 30x 0.00031; 1000 Genomes Project 0.00040; TOPMed 0.00042.
gnomAD v4.1: 88 of 1,614,090 alleles (0.0055%); highest among the groups gnomAD compares: Admixed American, 0.072%; no homozygotes.

Submissions (4):

Labcorp Genetics (formerly Invitae), Labcorp
Classification: Likely benign. Last evaluated: 2026-01-18. Review status: criteria provided, single submitter. Criteria: Invitae Variant Classification Sherloc (09022015). Collection method: clinical testing. Allele origin: germline.

GeneDx
Classification: Likely benign. Last evaluated: 2021-01-15. Review status: criteria provided, single submitter. Criteria: GeneDx Variant Classification Process June 2021. Collection method: clinical testing. Allele origin: germline. Affected: yes.

CeGaT Center for Human Genetics Tuebingen
Classification: Likely benign. Last evaluated: 2019-11-01. Review status: criteria provided, single submitter. Criteria: CeGaT Center For Human Genetics Tuebingen Variant Classification Criteria Version 2. Collection method: clinical testing. Allele origin: germline. Affected: yes. Observed: 1 variant allele.

PreventionGenetics, part of Exact Sciences
Classification: Likely benign for KMT2A-related condition. Last evaluated: 2023-11-29. Review status: no assertion criteria provided. Collection method: clinical testing. Allele origin: germline. Not counted in ClinVar's aggregate classification.
Comment: This variant is classified as likely benign based on ACMG/AMP sequence variant interpretation guidelines (Richards et al. 2015 PMID: 25741868, with internal and published modifications).

NM_001197104.2(KMT2A):c.11592C>T (p.Asn3864=)

Genes: KMT2A (lysine methyltransferase 2A; plus strand), TTC36-AS1 (TTC36 and KMT2A antisense RNA 1; minus strand). Cytogenetic location: 11q23.3.
Variant type: single nucleotide variant.
Coding change: c.11592C>T on transcript NM_001197104.2 (MANE Select); coding-DNA position 11592, C replaced by T.
Protein change: p.Asn3864=; no amino-acid change (asparagine 3864 retained).
Molecular consequence: synonymous variant.
Genome position (GRCh38, 1-based): chr11:118,521,366, C>T. VCF-style: chr11-118521366-C-T. GRCh37 (hg19) VCF-style: chr11-118392081-C-T.
Other names: c.11583C>T, p.Asn3861= (NM_005933.4).
Identifiers: ClinVar variation 720477 (VCV000720477.51), dbSNP rs539837639, ClinGen allele CA6304998.